The following is an entry in ClinVar:

ClinVar aggregate classification (germline): Uncertain significance (1 of 4 stars; one submission).

Conditions:
Familial hemophagocytic lymphohistiocytosis 5. Also called: STXBP2-Related Familial Hemophagocytic Lymphohistiocytosis (STXBP2-fHLH). Identifiers: Orphanet 540, MedGen C2751293, MONDO:0013135, OMIM 613101.

Allele frequency attached by ClinVar (database versions not stated): gnomAD exomes below 0.00001; TOPMed 0.00001.

Submission:

Labcorp Genetics (formerly Invitae), Labcorp
Classification: Uncertain significance for Familial hemophagocytic lymphohistiocytosis 5. Last evaluated: 2024-02-24. Review status: criteria provided, single submitter. Criteria: Invitae Variant Classification Sherloc (09022015). Collection method: clinical testing. Allele origin: germline.
Comment: This sequence change replaces aspartic acid, which is acidic and polar, with asparagine, which is neutral and polar, at codon 481 of the STXBP2 protein (p.Asp481Asn). The frequency data for this variant in the population databases is considered unreliable, as metrics indicate poor data quality at this position in the gnomAD database. This variant has not been reported in the literature in individuals affected with STXBP2-related conditions. ClinVar contains an entry for this variant (Variation ID: 1358034). Advanced modeling of protein sequence and biophysical properties (such as structural, functional, and spatial information, amino acid conservation, physicochemical variation, residue mobility, and thermodynamic stability) performed at Invitae indicates that this missense variant is not expected to disrupt STXBP2 protein function with a negative predictive value of 80%. In summary, the available evidence is currently insufficient to determine the role of this variant in disease. Therefore, it has been classified as a Variant of Uncertain Significance.

NM_006949.4(STXBP2):c.1441G>A (p.Asp481Asn)

Gene: STXBP2 (syntaxin binding protein 2; plus strand). Cytogenetic location: 19p13.2.
Variant type: single nucleotide variant.
Coding change: c.1441G>A on transcript NM_006949.4 (MANE Select); coding-DNA position 1441, G replaced by A.
Protein change: p.Asp481Asn; replaces aspartic acid 481 with asparagine.
Molecular consequence: missense variant. On other transcripts: non-coding transcript variant (1).
Genome position (GRCh38, 1-based): chr19:7,646,333, G>A. VCF-style: chr19-7646333-G-A. GRCh37 (hg19) VCF-style: chr19-7711219-G-A.
Other names: c.1432G>A, p.Asp478Asn (NM_001127396.3); c.1474G>A, p.Asp492Asn (NM_001272034.2); short protein forms D492N, D481N, D478N.
Identifiers: ClinVar variation 1358034 (VCV001358034.4), dbSNP rs995965057, ClinGen allele CA304911601.